The following is an entry in ClinVar:

ClinVar aggregate classification (germline): Pathogenic (1 of 4 stars; one submission).

Conditions:
Familial thoracic aortic aneurysm and aortic dissection (TAAD). Also called: Thoracic aortic aneurysms and dissections. Identifiers: Orphanet 91387, MedGen C4707243, MONDO:0019625.

Submission:

Ambry Genetics
Classification: Pathogenic for Familial thoracic aortic aneurysm and aortic dissection. Last evaluated: 2016-04-18. Review status: criteria provided, single submitter. Criteria: Ambry Variant Classification Scheme 2023. Collection method: clinical testing. Allele origin: germline.
Comment: The c.3815delC pathogenic mutation, located in coding exon 30 of the FBN1 gene, results from a deletion of one nucleotide at nucleotide position 3815, causing a translational frameshift with a predicted alternate stop codon (p.S1272Lfs*4). Since frameshifts are typically deleterious in nature, this alteration is interpreted as a disease-causing mutation (ACMG Recommendations for Standards for Interpretation and Reporting of Sequence Variations. Revision 2007. Genet Med. 2008;10:294).

NM_000138.5(FBN1):c.3815del (p.Ser1272fs)

Gene: FBN1 (fibrillin 1; minus strand). Cytogenetic location: 15q21.1.
Variant type: Deletion.
Coding change: c.3815del on transcript NM_000138.5 (MANE Select); coding-DNA position 3815, one base deleted (C; older notation c.3815delC).
Protein change: p.Ser1272fs; shifts the reading frame from serine 1272.
Molecular consequence: frameshift variant.
Genome position (GRCh38, 1-based): chr15:48,483,841, G deleted on the plus strand (C on the coding strand, the reverse complement: FBN1 is on the minus strand). VCF-style (leftmost placement, unchanged base first): chr15-48483840-AG-A. GRCh37 (hg19) VCF-style: chr15-48776037-AG-A.
Other names: c.3815delC (NM_000138.4); short protein forms S1272fs.
Identifiers: ClinVar variation 519709 (VCV000519709.5), dbSNP rs1555398272, ClinGen allele CA658798366.